The following is an entry in ClinVar:

NM_000313.4(PROS1):c.-48C>A

Gene: PROS1 (protein S; minus strand). Cytogenetic location: 3q11.1.
Variant type: single nucleotide variant.
Coding change: c.-48C>A on transcript NM_000313.4 (MANE Select); 48 bases upstream of the start codon, C replaced by A.
Molecular consequence: 5 prime UTR variant.
Genome position (GRCh38, 1-based): chr3:93,973,797, G>T on the plus strand (C>A on the coding strand, the complement: PROS1 is on the minus strand). VCF-style: chr3-93973797-G-T. GRCh37 (hg19) VCF-style: chr3-93692641-G-T.
Other names: c.-48C>A (NM_001314077.2).
Identifiers: ClinVar variation 900811 (VCV000900811.6), dbSNP rs775507528, ClinGen allele CA2503653.

ClinVar aggregate classification (germline): Uncertain significance. Review status: criteria provided, single submitter (1 of 4 stars). 2 submissions from 2 submitters: Uncertain significance (1). 1 of the submissions does not count toward it. Last evaluated 2018-01-12.

Conditions:
PROS1-related disorder. Also called: PROS1-related condition.
Thrombophilia due to protein S deficiency, autosomal dominant (THPH5). Identifiers: Orphanet 26349, Orphanet 743, MedGen C3278211, MONDO:0012868, OMIM 612336. Disease mechanism: loss of function.

Allele frequency attached by ClinVar (database versions not stated): 1000 Genomes Project 30x 0.00016; ExAC 0.00016; TOPMed 0.00022; gnomAD exomes 0.00023 and 0.00039; gnomAD 0.00026 and 0.00028.
gnomAD v4.1: 573 of 1,538,910 alleles (0.037%); highest among the groups gnomAD compares: Non-Finnish European, 0.047%; 1 homozygote.

Submissions (2):

Illumina Laboratory Services, Illumina
Classification: Uncertain significance for Thrombophilia due to protein S deficiency, autosomal dominant. Last evaluated: 2018-01-12. Review status: criteria provided, single submitter. Criteria: ICSL Variant Classification Criteria 13 December 2019. Collection method: clinical testing. Allele origin: germline.

PreventionGenetics, part of Exact Sciences
Classification: Likely benign for PROS1-related condition. Last evaluated: 2023-08-09. Review status: no assertion criteria provided. Collection method: clinical testing. Allele origin: germline. Not counted in ClinVar's aggregate classification.
Comment: This variant is classified as likely benign based on ACMG/AMP sequence variant interpretation guidelines (Richards et al. 2015 PMID: 25741868, with internal and published modifications).